The following is an entry in ClinVar:

ClinVar aggregate classification (germline): Conflicting classifications of pathogenicity. Review status: criteria provided, conflicting classifications (1 of 4 stars). 4 submissions from 4 submitters: Uncertain significance (3); Likely benign (1). Last evaluated 2025-08-12.

Conditions:
Knobloch syndrome 1 (KNO1). Identifiers: MedGen C4551775, MONDO:0800167, OMIM 267750.

Allele frequency attached by ClinVar (database versions not stated): TOPMed 0.00008; gnomAD 0.00009 and 0.00018; 1000 Genomes Project 30x 0.00016; 1000 Genomes Project 0.00020; gnomAD exomes 0.00021; ExAC 0.00034.
gnomAD v4.1: 222 of 1,474,770 alleles (0.015%); highest among the groups gnomAD compares: South Asian, 0.076%; no homozygotes.

Submissions (4):

GeneDx
Classification: Uncertain significance. Last evaluated: 2025-08-12. Review status: criteria provided, single submitter. Criteria: GeneDx Variant Classification Process June 2021. Collection method: clinical testing. Allele origin: germline. Affected: yes.
Comment: In silico analysis supports that this missense variant has a deleterious effect on protein structure/function; Has not been previously published as pathogenic or benign to our knowledge

Blueprint Genetics
Classification: Likely benign. Last evaluated: 2024-10-24. Review status: criteria provided, single submitter. Criteria: ACMG Guidelines, 2015. Collection method: clinical testing. Allele origin: germline.

Neuberg Centre For Genomic Medicine, NCGM
Classification: Uncertain significance for Knobloch syndrome 1. Last evaluated: 2023-03-01. Review status: criteria provided, single submitter. Criteria: ACMG Guidelines, 2015. Collection method: clinical testing. Allele origin: germline. Inheritance: Autosomal recessive inheritance. Affected: yes.
Comment: The missense c.3491C>T(p.Pro1164Leu) variant in COL18A1 gene has not been reported previously as a pathogenic variant nor as a benign variant, to our knowledge. The variant is reported with an allele frequency of 0.02% in the gnomAD exomes database and is novel (not in any individuals) in 1000 Genomes database. This variant has been reported to the ClinVar database as Uncertain significance. The amino acid change p.Pro1164Leu in COL18A1 is predicted as conserved by GERP++ and PhyloP across 100 vertebrates. The amino acid Pro at position 1164 is changed to a Leu changing protein sequence and it might alter its composition and physico-chemical properties. For these reasons, this variant has been classified as Variant of Uncertain Significance.

Labcorp Genetics (formerly Invitae), Labcorp
Classification: Uncertain significance. Last evaluated: 2022-10-04. Review status: criteria provided, single submitter. Criteria: Invitae Variant Classification Sherloc (09022015). Collection method: clinical testing. Allele origin: germline.
Comment: This sequence change replaces proline, which is neutral and non-polar, with leucine, which is neutral and non-polar, at codon 1161 of the COL18A1 protein (p.Pro1161Leu). This variant is present in population databases (rs532834770, gnomAD 0.1%). This variant has not been reported in the literature in individuals affected with COL18A1-related conditions. ClinVar contains an entry for this variant (Variation ID: 1438410). Experimental studies and prediction algorithms are not available or were not evaluated, and the functional significance of this variant is currently unknown. In summary, the available evidence is currently insufficient to determine the role of this variant in disease. Therefore, it has been classified as a Variant of Uncertain Significance.

NM_001379500.1(COL18A1):c.3491C>T (p.Pro1164Leu)

Genes: COL18A1 (collagen type XVIII alpha 1 chain; plus strand), SLC19A1 (solute carrier family 19 member 1; minus strand). Cytogenetic location: 21q22.3.
Variant type: single nucleotide variant.
Coding change: c.3491C>T on transcript NM_001379500.1 (MANE Select); coding-DNA position 3491, C replaced by T.
Protein change: p.Pro1164Leu; replaces proline 1164 with leucine.
Molecular consequence: missense variant.
Genome position (GRCh38, 1-based): chr21:45,509,597, C>T. VCF-style: chr21-45509597-C-T. GRCh37 (hg19) VCF-style: chr21-46929511-C-T.
Other names: NM_130445.2:c.3482C>T; c.4022C>T, p.Pro1341Leu (NM_030582.4); c.4727C>T, p.Pro1576Leu (NM_130444.3); short protein forms P1576L, P1341L, P1164L.
Identifiers: ClinVar variation 1438410 (VCV001438410.6), dbSNP rs532834770, ClinGen allele CA10067905.